The following is an entry in ClinVar:

ClinVar aggregate classification (germline): Likely benign (1 of 4 stars; one submission).

gnomAD v4.1: 109 of 1,614,002 alleles (0.0068%); highest among the groups gnomAD compares: East Asian, 0.11%; 2 homozygotes.

Submission:

CeGaT Center for Human Genetics Tuebingen
Classification: Likely benign. Last evaluated: 2025-11-01. Review status: criteria provided, single submitter. Criteria: CeGaT Center For Human Genetics Tuebingen Variant Classification Criteria Version 2. Collection method: clinical testing. Allele origin: germline. Affected: yes. Observed: 2 variant alleles.
Comment: PLCD4: BP4, BP7

NM_032726.4(PLCD4):c.1971G>A (p.Val657=)

Genes: PLCD4 (phospholipase C delta 4; plus strand), ZNF142 (zinc finger protein 142; minus strand). Cytogenetic location: 2q35.
Variant type: single nucleotide variant.
Coding change: c.1971G>A on transcript NM_032726.4 (MANE Select); coding-DNA position 1971, G replaced by A.
Protein change: p.Val657=; no amino-acid change (valine 657 retained).
Molecular consequence: synonymous variant. On other transcripts: 3 prime UTR variant (5).
Genome position (GRCh38, 1-based): chr2:218,635,870, G>A. VCF-style: chr2-218635870-G-A. GRCh37 (hg19) VCF-style: chr2-219500593-G-A.
Other names: c.*2469C>T (NM_001366290.3, NM_001379659.1, NM_001379660.1 and 2 more transcripts).
Identifiers: ClinVar variation 3771586 (VCV003771586.13).